The following is an entry in ClinVar:

NM_000059.4(BRCA2):c.5670G>A (p.Met1890Ile)

Gene: BRCA2 (BRCA2 DNA repair associated; plus strand). Cytogenetic location: 13q13.1.
Variant type: single nucleotide variant.
Coding change: c.5670G>A on transcript NM_000059.4 (MANE Select); coding-DNA position 5670, G replaced by A.
Protein change: p.Met1890Ile; replaces methionine 1890 with isoleucine.
Molecular consequence: missense variant. On other transcripts: non-coding transcript variant (1), intron variant (2).
Genome position (GRCh38, 1-based): chr13:32,340,025, G>A. VCF-style: chr13-32340025-G-A. GRCh37 (hg19) VCF-style: chr13-32914162-G-A.
Other names: c.5670G>A, p.Met1890Ile (NM_001406719.1, NM_001406720.1); c.1910-4533G>A (NM_001406721.1); c.425-4533G>A (NM_001406722.1); short protein forms M1890I.
Identifiers: ClinVar variation 2580968 (VCV002580968.4), dbSNP rs2137519733, ClinGen allele CA387786199.

ClinVar aggregate classification (germline): Uncertain significance. Review status: criteria provided, multiple submitters, no conflicts (2 of 4 stars). 2 submissions from 2 submitters: Uncertain significance (2). Last evaluated 2024-05-13.

Conditions:
Hereditary breast ovarian cancer syndrome. Also called: Hereditary breast and ovarian cancer syndrome (HBOC); BRCA1- and BRCA2-Associated Hereditary Breast and Ovarian Cancer; Hereditary breast and ovarian cancer syndrome; Hereditary breast and ovarian cancer; Hereditary breast and/or ovarian cancer syndrome; Breast and ovarian cancer. Identifiers: Orphanet 145, MedGen C0677776, MeSH D061325, MONDO:0003582. Disease mechanism: loss of function.
Breast-ovarian cancer, familial, susceptibility to, 2 (BROVCA2). Also called: BRCA2 Hereditary Breast and Ovarian Cancer. Identifiers: Orphanet 145, MedGen C2675520, MONDO:0012933, OMIM 612555. Disease mechanism: loss of function.

Submissions (2):

Labcorp Genetics (formerly Invitae), Labcorp
Classification: Uncertain significance for Hereditary breast ovarian cancer syndrome. Last evaluated: 2024-05-13. Review status: criteria provided, single submitter. Criteria: Invitae Variant Classification Sherloc (09022015). Collection method: clinical testing. Allele origin: germline.
Comment: This sequence change replaces methionine, which is neutral and non-polar, with isoleucine, which is neutral and non-polar, at codon 1890 of the BRCA2 protein (p.Met1890Ile). This variant is not present in population databases (gnomAD no frequency). This variant has not been reported in the literature in individuals affected with BRCA2-related conditions. ClinVar contains an entry for this variant (Variation ID: 2580968). Advanced modeling of protein sequence and biophysical properties (such as structural, functional, and spatial information, amino acid conservation, physicochemical variation, residue mobility, and thermodynamic stability) performed at Invitae indicates that this missense variant is not expected to disrupt BRCA2 protein function with a negative predictive value of 95%. In summary, the available evidence is currently insufficient to determine the role of this variant in disease. Therefore, it has been classified as a Variant of Uncertain Significance.

Dr. med. U. Finckh, Human Genetics, Eurofins MVZ
Classification: Uncertain significance for Breast-ovarian cancer, familial, susceptibility to, 2. Last evaluated: 2023-04-04. Review status: criteria provided, single submitter. Criteria: ACMG Guidelines, 2015. Collection method: clinical testing. Allele origin: unknown. Observed: 1 heterozygote.
Comment: internal data: co-occurring with the pathogenic BRCA1 variant NM_007294.4:c.181T>G p.(Cys61Gly).